The following is an entry in ClinVar:

NM_000321.3(RB1):c.2475G>A (p.Met825Ile)

Gene: RB1 (RB transcriptional corepressor 1; plus strand). Cytogenetic location: 13q14.2.
Variant type: single nucleotide variant.
Coding change: c.2475G>A on transcript NM_000321.3 (MANE Select); coding-DNA position 2475, G replaced by A.
Protein change: p.Met825Ile; replaces methionine 825 with isoleucine.
Molecular consequence: missense variant.
Genome position (GRCh38, 1-based): chr13:48,465,354, G>A. VCF-style: chr13-48465354-G-A. GRCh37 (hg19) VCF-style: chr13-49039490-G-A.
Other names: c.2475G>A (NM_000321.2); short protein forms M825I.
Identifiers: ClinVar variation 1011124 (VCV001011124.10), dbSNP rs1949433927, ClinGen allele CA388168060.

ClinVar aggregate classification (germline): Uncertain significance. Review status: criteria provided, multiple submitters, no conflicts (2 of 4 stars). 2 submissions from 2 submitters: Uncertain significance (2). Last evaluated 2025-01-21.

Conditions:
Hereditary cancer-predisposing syndrome. Also called: Tumor predisposition; Hereditary neoplastic syndrome; Neoplastic Syndromes, Hereditary; Hereditary Cancer Syndrome. Identifiers: Orphanet 140162, MedGen C0027672, MeSH D009386, MONDO:0015356.
Retinoblastoma (RB1). Also called: RETINOBLASTOMA, SOMATIC. Identifiers: Orphanet 790, MedGen C0035335, MeSH D012175, MONDO:0008380, OMIM 180200, HP:0009919. Disease mechanism: loss of function. Inheritance: Both sporadic and heritable forms are tested..

Submissions (2):

Ambry Genetics
Classification: Uncertain significance for Hereditary cancer-predisposing syndrome. Last evaluated: 2025-01-21. Review status: criteria provided, single submitter. Criteria: Ambry Variant Classification Scheme 2023. Collection method: clinical testing. Allele origin: germline.

Labcorp Genetics (formerly Invitae), Labcorp
Classification: Uncertain significance for Retinoblastoma. Last evaluated: 2021-03-19. Review status: criteria provided, single submitter. Criteria: Invitae Variant Classification Sherloc (09022015). Collection method: clinical testing. Allele origin: germline.
Comment: This variant is not present in population databases (ExAC no frequency). In summary, the available evidence is currently insufficient to determine the role of this variant in disease. Therefore, it has been classified as a Variant of Uncertain Significance. Algorithms developed to predict the effect of missense changes on protein structure and function are either unavailable or do not agree on the potential impact of this missense change (SIFT: "Deleterious"; PolyPhen-2: "Probably Damaging"; Align-GVGD: "Class C0"). This variant has not been reported in the literature in individuals with RB1-related conditions. This sequence change replaces methionine with isoleucine at codon 825 of the RB1 protein (p.Met825Ile). The methionine residue is highly conserved and there is a small physicochemical difference between methionine and isoleucine.